The following is an entry in ClinVar:

NM_000127.3(EXT1):c.1477C>T (p.Gln493Ter)

Gene: EXT1 (exostosin glycosyltransferase 1; minus strand). Cytogenetic location: 8q24.11.
Variant type: single nucleotide variant.
Coding change: c.1477C>T on transcript NM_000127.3 (MANE Select); coding-DNA position 1477, C replaced by T.
Protein change: p.Gln493Ter; replaces glutamine 493 with a stop codon.
Molecular consequence: nonsense.
Genome position (GRCh38, 1-based): chr8:117,819,735, G>A on the plus strand (C>T on the coding strand, the complement: EXT1 is on the minus strand). VCF-style: chr8-117819735-G-A. GRCh37 (hg19) VCF-style: chr8-118831974-G-A.
Other names: short protein forms Q493*.
Identifiers: ClinVar variation 963325 (VCV000963325.10), dbSNP rs1811890821, ClinGen allele CA371885179.

ClinVar aggregate classification (germline): Pathogenic. Review status: criteria provided, multiple submitters, no conflicts (2 of 4 stars). 2 submissions from 2 submitters: Pathogenic (2). Last evaluated 2022-09-29.

Conditions:
Exostoses, multiple, type 1 (EXT1). Also called: EXOSTOSES, MULTIPLE, TYPE I; Hereditary Multiple Osteochondromatosis, Type I. Identifiers: MedGen CN263289, MONDO:0007585, OMIM 133700.
Multiple congenital exostosis (EXT). Also called: Multiple exostoses; Hereditary multiple osteochondromas; Hereditary multiple exostoses; Hereditary multiple exostosis; Multiple osteochondromas; MULTIPLE CARTILAGINOUS EXOSTOSES. Identifiers: Orphanet 321, MedGen C0015306, MONDO:0005508, HP:0002762.

Submissions (2):

Laboratory of Medical Genetics, National & Kapodistrian University of Athens
Classification: Pathogenic for Exostoses, multiple, type 1. Last evaluated: 2022-09-29. Review status: criteria provided, single submitter. Criteria: ACMG Guidelines, 2015. Collection method: clinical testing. Allele origin: germline. Affected: yes.
Comment: PVS1, PM2, PP5

Labcorp Genetics (formerly Invitae), Labcorp
Classification: Pathogenic for Multiple congenital exostosis. Last evaluated: 2019-08-13. Review status: criteria provided, single submitter. Criteria: Invitae Variant Classification Sherloc (09022015). Collection method: clinical testing. Allele origin: germline.
Comment: Loss-of-function variants in EXT1 are known to be pathogenic (PMID: 10679937, 11391482, 19810120). This sequence change creates a premature translational stop signal (p.Gln493*) in the EXT1 gene. It is expected to result in an absent or disrupted protein product. This variant is not present in population databases (ExAC no frequency). This variant has been observed in an individual affected with multiple osteochondromas (PMID: 18165274). For these reasons, this variant has been classified as Pathogenic.

Literature cited by the submitters: PubMed 10679937 (cited by Labcorp Genetics (formerly Invitae), Labcorp); PubMed 11391482 (cited by Labcorp Genetics (formerly Invitae), Labcorp); PubMed 19810120 (cited by Labcorp Genetics (formerly Invitae), Labcorp); PubMed 18165274 (cited by Labcorp Genetics (formerly Invitae), Labcorp).